The following is an entry in ClinVar:

NM_015404.4(WHRN):c.1029C>A (p.Val343=)

Gene: WHRN (whirlin; minus strand). Cytogenetic location: 9q32.
Variant type: single nucleotide variant.
Coding change: c.1029C>A on transcript NM_015404.4 (MANE Select); coding-DNA position 1029, C replaced by A.
Protein change: p.Val343=; no amino-acid change (valine 343 retained).
Molecular consequence: synonymous variant. On other transcripts: 5 prime UTR variant (1).
Genome position (GRCh38, 1-based): chr9:114,426,348, G>T on the plus strand (C>A on the coding strand, the complement: WHRN is on the minus strand). VCF-style: chr9-114426348-G-T. GRCh37 (hg19) VCF-style: chr9-117188628-G-T.
Other names: c.-121C>A (NM_001083885.3); c.1029C>A, p.Val343= (NM_001173425.2); c.1029C>A (NM_015404.3).
Identifiers: ClinVar variation 1123742 (VCV001123742.12), dbSNP rs151112714, ClinGen allele CA5206091.

ClinVar aggregate classification (germline): Likely benign. Review status: criteria provided, multiple submitters, no conflicts (2 of 4 stars). 3 submissions from 3 submitters: Likely benign (2). 1 of the submissions does not count toward it. Last evaluated 2025-02-03.

Conditions:
WHRN-related disorder. Also called: WHRN-related condition.

Allele frequency attached by ClinVar (database versions not stated): gnomAD exomes 0.00010 and 0.00012; ExAC 0.00011; 1000 Genomes Project 30x 0.00031; gnomAD 0.00033 and 0.00035; TOPMed 0.00037; 1000 Genomes Project 0.00040; ESP Exome Variant Server 0.00054.
gnomAD v4.1: 216 of 1,614,094 alleles (0.013%); highest among the groups gnomAD compares: African/African-American, 0.11%; no homozygotes.

Submissions (3):

Labcorp Genetics (formerly Invitae), Labcorp
Classification: Likely benign. Last evaluated: 2025-02-03. Review status: criteria provided, single submitter. Criteria: Invitae Variant Classification Sherloc (09022015). Collection method: clinical testing. Allele origin: germline.

Blueprint Genetics
Classification: Likely benign. Last evaluated: 2024-06-11. Review status: criteria provided, single submitter. Criteria: ACMG Guidelines, 2015. Collection method: clinical testing. Allele origin: germline.

PreventionGenetics, part of Exact Sciences
Classification: Likely benign for WHRN-related condition. Last evaluated: 2023-08-14. Review status: no assertion criteria provided. Collection method: clinical testing. Allele origin: germline. Not counted in ClinVar's aggregate classification.
Comment: This variant is classified as likely benign based on ACMG/AMP sequence variant interpretation guidelines (Richards et al. 2015 PMID: 25741868, with internal and published modifications).